The following is an entry in ClinVar:

ClinVar aggregate classification (germline): Uncertain significance (1 of 4 stars; one submission).

Submission:

GeneDx
Classification: Uncertain significance. Last evaluated: 2025-07-31. Review status: criteria provided, single submitter. Criteria: GeneDx Variant Classification Process June 2021. Collection method: clinical testing. Allele origin: germline. Affected: yes.
Comment: Not observed at significant frequency in large population cohorts (gnomAD); In silico analysis supports that this missense variant has a deleterious effect on protein structure/function; Has not been previously published as pathogenic or benign to our knowledge

NM_001110219.3(GJB6):c.641T>G (p.Leu214Arg)

Gene: GJB6 (gap junction protein beta 6; minus strand). Cytogenetic location: 13q12.11.
Variant type: single nucleotide variant.
Coding change: c.641T>G on transcript NM_001110219.3 (MANE Select); coding-DNA position 641, T replaced by G.
Protein change: p.Leu214Arg; replaces leucine 214 with arginine.
Molecular consequence: missense variant.
Genome position (GRCh38, 1-based): chr13:20,222,840, A>C on the plus strand (T>G on the coding strand, the complement: GJB6 is on the minus strand). VCF-style: chr13-20222840-A-C. GRCh37 (hg19) VCF-style: chr13-20796979-A-C.
Other names: c.641T>G, p.Leu214Arg (NM_001110220.3, NM_001110221.3, NM_001370090.1 and 3 more transcripts); short protein forms L214R.
Identifiers: ClinVar variation 4690193 (VCV004690193.1).